The following is an entry in ClinVar:

NM_198947.4(FAM111B):c.1555T>C (p.Tyr519His)

Gene: FAM111B (FAM111 trypsin like peptidase B; plus strand). Cytogenetic location: 11q12.1.
Variant type: single nucleotide variant.
Coding change: c.1555T>C on transcript NM_198947.4 (MANE Select); coding-DNA position 1555, T replaced by C.
Protein change: p.Tyr519His; replaces tyrosine 519 with histidine.
Molecular consequence: missense variant.
Genome position (GRCh38, 1-based): chr11:59,125,652, T>C. VCF-style: chr11-59125652-T-C. GRCh37 (hg19) VCF-style: chr11-58893125-T-C.
Other names: c.1465T>C, p.Tyr489His (NM_001142703.2, NM_001142704.2); short protein forms Y489H, Y519H.
Identifiers: ClinVar variation 1304171 (VCV001304171.2), dbSNP rs2135405215, ClinGen allele CA380760525.

ClinVar aggregate classification (germline): Uncertain significance (1 of 4 stars; one submission).

Allele frequency attached by ClinVar (database versions not stated): gnomAD exomes below 0.00001.

Submission:

GeneDx
Classification: Uncertain significance. Last evaluated: 2021-05-25. Review status: criteria provided, single submitter. Criteria: GeneDx Variant Classification Process June 2021. Collection method: clinical testing. Allele origin: germline. Affected: yes.
Comment: Not observed at significant frequency in large population cohorts (Lek et al., 2016); In silico analysis supports that this missense variant has a deleterious effect on protein structure/function; Has not been previously published as pathogenic or benign to our knowledge